The following is an entry in ClinVar:

ClinVar aggregate classification (germline): Uncertain significance (1 of 4 stars; one submission).

Conditions:
Left ventricular noncompaction 8 (LVNC8). Identifiers: Orphanet 154, Orphanet 54260, MedGen C3809288, MONDO:0014152, OMIM 615373.

Allele frequency attached by ClinVar (database versions not stated): TOPMed 0.00002; gnomAD 0.00003 and 0.00004; gnomAD exomes 0.00003 and 0.00006; ExAC 0.00006.
gnomAD v4.1: 95 of 1,568,556 alleles (0.0061%); highest among the groups gnomAD compares: Non-Finnish European, 0.0078%; no homozygotes.

Submission:

Labcorp Genetics (formerly Invitae), Labcorp
Classification: Uncertain significance for Left ventricular noncompaction 8. Last evaluated: 2022-10-07. Review status: criteria provided, single submitter. Criteria: Invitae Variant Classification Sherloc (09022015). Collection method: clinical testing. Allele origin: germline.
Comment: In summary, the available evidence is currently insufficient to determine the role of this variant in disease. Therefore, it has been classified as a Variant of Uncertain Significance. Algorithms developed to predict the effect of missense changes on protein structure and function (SIFT, PolyPhen-2, Align-GVGD) all suggest that this variant is likely to be disruptive. ClinVar contains an entry for this variant (Variation ID: 1038732). This variant has not been reported in the literature in individuals affected with PRDM16-related conditions. This variant is present in population databases (rs752476219, gnomAD 0.007%). This sequence change replaces serine, which is neutral and polar, with arginine, which is basic and polar, at codon 814 of the PRDM16 protein (p.Ser814Arg).

NM_022114.4(PRDM16):c.2442C>A (p.Ser814Arg)

Gene: PRDM16 (PR/SET domain 16; plus strand). Cytogenetic location: 1p36.32.
Variant type: single nucleotide variant.
Coding change: c.2442C>A on transcript NM_022114.4 (MANE Select); coding-DNA position 2442, C replaced by A.
Protein change: p.Ser814Arg; replaces serine 814 with arginine.
Molecular consequence: missense variant.
Genome position (GRCh38, 1-based): chr1:3,412,639, C>A. VCF-style: chr1-3412639-C-A. GRCh37 (hg19) VCF-style: chr1-3329203-C-A.
Other names: c.2442C>A, p.Ser814Arg (NM_199454.3); short protein forms S814R.
Identifiers: ClinVar variation 1038732 (VCV001038732.8), dbSNP rs752476219, ClinGen allele CA544476.